The following is an entry in ClinVar:

ClinVar aggregate classification (germline): Uncertain significance (1 of 4 stars; one submission).

gnomAD v4.1: 8 of 1,610,742 alleles (0.0005%); highest among the groups gnomAD compares: African/African-American, 0.011%; no homozygotes.

Submission:

GeneDx
Classification: Uncertain significance. Last evaluated: 2024-05-14. Review status: criteria provided, single submitter. Criteria: GeneDx Variant Classification Process June 2021. Collection method: clinical testing. Allele origin: germline. Affected: yes.
Comment: Not observed at significant frequency in large population cohorts (gnomAD); Has not been previously published as pathogenic or benign to our knowledge; In silico analysis is inconclusive as to whether the variant alters gene splicing. In the absence of RNA/functional studies, the actual effect of this sequence change is unknown.

NM_007175.8(ERLIN2):c.236+5G>T

Gene: ERLIN2 (ER lipid raft associated 2; plus strand). Cytogenetic location: 8p11.23.
Variant type: single nucleotide variant.
Coding change: c.236+5G>T on transcript NM_007175.8 (MANE Select); 5 bases into the intron after coding-DNA position 236, G replaced by T.
Molecular consequence: intron variant.
Genome position (GRCh38, 1-based): chr8:37,741,823, G>T. VCF-style: chr8-37741823-G-T. GRCh37 (hg19) VCF-style: chr8-37599341-G-T.
Other names: c.236+5G>T (NM_001362878.2, NM_001362880.2, NM_001003790.4 and 1 more transcripts).
Identifiers: ClinVar variation 3381436 (VCV003381436.1).
Genomic context (GRCh38, chr8:37,741,823, plus strand): 5'-TGTTTCCAGACCACACTCCAGACAGATGAGGTGAAGAATGTACCTTGTGGGACTAGGTAA[G>T]GTACCCAGAATAAAGCTTTTAAGCCCAAATAAGTCAGAGAAAAGGCTGTCTGGCTGGTTG-3'